The following is an entry in ClinVar:

ClinVar aggregate classification (germline): Likely pathogenic (1 of 4 stars; one submission).

Conditions:
Alport syndrome. Also called: Hemorrhagic familial nephritis; Hemorrhagic hereditary nephritis; Congenital hereditary hematuria. Identifiers: Orphanet 63, MedGen C1567741, MONDO:0018965.

gnomAD v4.1: 2 of 1,614,164 alleles (0.00012%); highest among the groups gnomAD compares: African/African-American, 0.0027%; no homozygotes.

Submission:

Natera, Inc.
Classification: Likely pathogenic for Alport syndrome. Last evaluated: 2024-11-07. Review status: criteria provided, single submitter. Criteria: Natera Variant Classification Schema (03/2026). Collection method: clinical testing. Allele origin: germline.
Comment: The c.3196G>T variant in COL4A4 is a nonsense variant predicted to introduce a stop codon at amino acid 1066. This variant is expected to result in nonsense mediated decay, truncation, or a dysfunctional protein product. This variant is rare in the general population with a frequency below the threshold expected for the associated phenotype(s). Given the available evidence, this variant is classified as Likely Pathogenic.

NM_000092.5(COL4A4):c.3196G>T (p.Gly1066Ter)

Gene: COL4A4 (collagen type IV alpha 4 chain; minus strand). Cytogenetic location: 2q36.3.
Variant type: single nucleotide variant.
Coding change: c.3196G>T on transcript NM_000092.5 (MANE Select); coding-DNA position 3196, G replaced by T.
Protein change: p.Gly1066Ter; replaces glycine 1066 with a stop codon.
Molecular consequence: nonsense.
Genome position (GRCh38, 1-based): chr2:227,050,086, C>A on the plus strand (G>T on the coding strand, the complement: COL4A4 is on the minus strand). VCF-style: chr2-227050086-C-A. GRCh37 (hg19) VCF-style: chr2-227914802-C-A.
Other names: short protein forms G1066*.
Identifiers: ClinVar variation 4817327 (VCV004817327.1).